The following is an entry in ClinVar:

NM_018109.4(MTPAP):c.1177C>T (p.Pro393Ser)

Gene: MTPAP (mitochondrial poly(A) polymerase; minus strand). Cytogenetic location: 10p11.23.
Variant type: single nucleotide variant.
Coding change: c.1177C>T on transcript NM_018109.4 (MANE Select); coding-DNA position 1177, C replaced by T.
Protein change: p.Pro393Ser; replaces proline 393 with serine.
Molecular consequence: missense variant.
Genome position (GRCh38, 1-based): chr10:30,322,433, G>A on the plus strand (C>T on the coding strand, the complement: MTPAP is on the minus strand). VCF-style: chr10-30322433-G-A. GRCh37 (hg19) VCF-style: chr10-30611362-G-A.
Other names: short protein forms P393S.
Identifiers: ClinVar variation 2016300 (VCV002016300.4), dbSNP rs2538452398, ClinGen allele CA376436301.

ClinVar aggregate classification (germline): Uncertain significance (1 of 4 stars; one submission).

Submission:

Labcorp Genetics (formerly Invitae), Labcorp
Classification: Uncertain significance. Last evaluated: 2024-10-29. Review status: criteria provided, single submitter. Criteria: Invitae Variant Classification Sherloc (09022015). Collection method: clinical testing. Allele origin: germline.
Comment: This sequence change replaces proline, which is neutral and non-polar, with serine, which is neutral and polar, at codon 393 of the MTPAP protein (p.Pro393Ser). This variant is not present in population databases (gnomAD no frequency). This variant has not been reported in the literature in individuals affected with MTPAP-related conditions. ClinVar contains an entry for this variant (Variation ID: 2016300). Invitae Evidence Modeling of protein sequence and biophysical properties (such as structural, functional, and spatial information, amino acid conservation, physicochemical variation, residue mobility, and thermodynamic stability) indicates that this missense variant is not expected to disrupt MTPAP protein function with a negative predictive value of 80%. In summary, the available evidence is currently insufficient to determine the role of this variant in disease. Therefore, it has been classified as a Variant of Uncertain Significance.